The following continues an entry in ClinVar:

NM_001130987.2(DYSF):c.2697+1G>A

Gene: DYSF. ClinVar aggregate classification (germline): Pathogenic. Pathogenic (1).

Submissions 9 to 21 of 21:

Mayo Clinic Laboratories, Mayo Clinic
Classification: Pathogenic. Last evaluated: 2024-07-30. Review status: criteria provided, single submitter. Criteria: ACMG Guidelines, 2015. Collection method: clinical testing. Allele origin: germline. Not counted in ClinVar's aggregate classification.
Comment: PM2_moderate, PM3_very_strong, PS4_moderate, PVS1_moderate

Baylor Genetics
Classification: Pathogenic for Miyoshi muscular dystrophy 1. Last evaluated: 2024-03-13. Review status: criteria provided, single submitter. Criteria: ACMG Guidelines, 2015. Collection method: clinical testing. Allele origin: unknown. Not counted in ClinVar's aggregate classification.

Athena Diagnostics
Classification: Pathogenic. Last evaluated: 2022-08-18. Review status: criteria provided, single submitter. Criteria: Athena Diagnostics Criteria. Collection method: clinical testing. Allele origin: unknown. Not counted in ClinVar's aggregate classification.
Comment: This variant is expected to severely impact normal RNA splicing, and consequently, protein structure and/or function. The frequency of this variant in the general population is consistent with pathogenicity. In multiple individuals, including cases of Miyoshi myopathy and limb girdle muscular dystrophy, this variant has been seen with a single recessive pathogenic variant in the same gene, suggesting this variant may also be pathogenic. This variant is also referred to as c.2697+1G>A and c.3016+1G>A in published literature. Assessment of experimental evidence suggests this variant results in abnormal protein function. This variant has been shown to cause exon skipping (PMID: 25312915).

GeneDx
Classification: Pathogenic. Last evaluated: 2022-01-28. Review status: criteria provided, single submitter. Criteria: GeneDx Variant Classification Process June 2021. Collection method: clinical testing. Allele origin: germline. Affected: yes. Not counted in ClinVar's aggregate classification.
Comment: Canonical splice site variant expected to result in aberrant splicing, although in the absence of functional evidence the actual effect of this sequence change is unknown.; Published minigene assays show that this canonical splice variant results in the skipping of exon 25, suggesting that it results in abnormal splicing (Kergourlay et al., 2014); This variant is associated with the following publications: (PMID: 22246893, 25525159, 23243261, 12796534, 11532985, 18853459, 29382405, 31980526, 31589614, 33610434, 24438169, 25312915)

Myriad Genetics, Inc.
Classification: Pathogenic for Autosomal recessive limb-girdle muscular dystrophy. Last evaluated: 2021-10-01. Review status: criteria provided, single submitter. Criteria: Myriad Autosomal Dominant, Autosomal Recessive and X-Linked Classification Criteria (2023). Collection method: clinical testing. Allele origin: unknown. Not counted in ClinVar's aggregate classification.
Comment: NM_003494.3(DYSF):c.2643+1G>A is a canonical splice variant classified as pathogenic in the context of dysferlinopathy. c.2643+1G>A has been observed in cases with relevant disease (PMID: 30564623, 12796534, 23243261, 27854218, 18832576, 24488599, 21816046). Functional assessments of this variant are available in the literature (PMID: 25312915). c.2643+1G>A has been observed in population frequency databases (gnomAD: AFR 0.13%). In summary, NM_003494.3(DYSF):c.2643+1G>A is a canonical splice variant in a gene where loss of function is a known mechanism of disease, is predicted to disrupt protein function, and has been observed more frequently in cases with the relevant disease than in healthy populations. Please note: this variant was assessed in the context of healthy population screening.

Broad Center for Mendelian Genomics, Broad Institute of MIT and Harvard
Classification: Pathogenic for Autosomal recessive limb-girdle muscular dystrophy type 2B. Last evaluated: 2018-12-03. Review status: criteria provided, single submitter. Criteria: ACMG Guidelines, 2015. Collection method: research. Allele origin: germline. Inheritance: Autosomal recessive inheritance. Affected: yes. Not counted in ClinVar's aggregate classification.
Comment: This variant has been identified in 0.1706% (41/24026) of African chromosomes in the Genome Aggregation Database (gnomAD; dbSNP rs140108514). Although this variant has been seen in the general population, its frequency is not high enough to rule out a pathogenic role. The c.2697+1G>A variant in DYSF has been reported in 3 individuals with LGMD (PMID: 23243261). The presence of this variant in combination with reported pathogenic variants and in 2 individuals with LGMD increases the likelihood that the c.2697+1G>A variant is pathogenic. In vitro functional studies provide some evidence that the c.2697+1G>A variant may impact protein function by causing abnormal splicing of Exon 25 (PMID: 25312915). However, these types of assays may not accurately represent biological function. This variant occurs in the invariant region (+/- 1/2) of the splice consensus sequence and is predicted to cause altered splicing leading to an in-frame transcript deletion and abnormal or absent protein. Loss of function In the DYSF gene is an established disease mechanism in autosomal recessive LGMD. In summary, the clinical significance of the 2697+1G>A variant is pathogenic. ACMG/AMP Criteria applied: PVS1_Moderate, PS3, PM3_Strong (Richards 2015).

Fulgent Genetics
Classification: Pathogenic for Autosomal recessive limb-girdle muscular dystrophy type 2B; Miyoshi muscular dystrophy 1; Distal myopathy with anterior tibial onset. Last evaluated: 2018-10-31. Review status: criteria provided, single submitter. Criteria: ACMG Guidelines, 2015. Collection method: clinical testing. Allele origin: unknown. Not counted in ClinVar's aggregate classification.

Eurofins Ntd Llc (ga)
Classification: Pathogenic. Last evaluated: 2016-06-09. Review status: criteria provided, single submitter. Criteria: EGL Classification Definitions 2015. Collection method: clinical testing. Allele origin: germline. Observed: 8 variant alleles, 8 heterozygotes. Not counted in ClinVar's aggregate classification.

Center for Genetic Medicine Research, Children's National Medical Center
Classification: Likely pathogenic for Miyoshi muscular dystrophy 1. Last evaluated: 2015-12-01. Review status: criteria provided, single submitter. Criteria: Punetha et al. (J Neuromuscul Dis. 2016). Collection method: research. Allele origin: unknown. Affected: yes. Not counted in ClinVar's aggregate classification.

Genetic Services Laboratory, University of Chicago
Classification: Pathogenic for Muscular dystrophy, limb-girdle, type 2B. Last evaluated: 2014-10-02. Review status: criteria provided, single submitter. Criteria: ACMG Guidelines, 2015. Collection method: clinical testing. Allele origin: germline. Affected: yes. Not counted in ClinVar's aggregate classification.

Juno Genomics, Hangzhou Juno Genomics, Inc
Classification: Pathogenic for Miyoshi muscular dystrophy 1; Autosomal recessive limb-girdle muscular dystrophy type 2B; Distal myopathy with anterior tibial onset. Review status: criteria provided, single submitter. Criteria: ACMG Guidelines, 2015. Collection method: clinical testing. Allele origin: germline. Not counted in ClinVar's aggregate classification.
Comment: Absent from controls (or at extremely low frequency if recessive) in Genome Aggregation Database.;Null variant in a gene where loss of function (LOF) is a known mechanism of disease.;For recessive disorders, detected in trans with a pathogenic variant.

Dr. Peter K. Rogan Lab, Western University
No classification provided (evidence only). Condition: Clear cell carcinoma of kidney. Review status: no classification provided. Collection method: in vitro. Allele origin: not applicable. Functional consequence: skipped exon, retained intron. Not counted in ClinVar's aggregate classification.

Dr. Peter K. Rogan Lab, Western University
No classification provided (evidence only). Condition: Papillary renal cell carcinoma type 1. Review status: no classification provided. Collection method: in vitro. Allele origin: not applicable. Functional consequence: skipped exon, retained intron. Not counted in ClinVar's aggregate classification.

Literature cited by the submitters: PubMed 25312915 (cited by 7 submitters); PubMed 36983702 (cited by Dasa and Variantyx, Inc.); PubMed 30564623 (cited by 3 submitters); PubMed 33927379 (cited by Dasa and Variantyx, Inc.); PubMed 23243261 (cited by 8 submitters); PubMed 22246893 (cited by 4 submitters); PubMed 18853459 (cited by 5 submitters); PubMed 12796534 (cited by 4 submitters); PubMed 21816046 (cited by 3 submitters); PubMed 27854218 (cited by 3 submitters); PubMed 29382405 (cited by Mayo Clinic Laboratories, Mayo Clinic and Athena Diagnostics); PubMed 31589614 (cited by Mayo Clinic Laboratories, Mayo Clinic); PubMed 11532985 (cited by Athena Diagnostics); PubMed 18276788 (cited by Athena Diagnostics); PubMed 25525159 (cited by Athena Diagnostics); PubMed 18832576 (cited by Myriad Genetics, Inc.); PubMed 24488599 (cited by Myriad Genetics, Inc.).